The following is an entry in ClinVar:

NM_018668.5(VPS33B):c.177G>C (p.Lys59Asn)

Gene: VPS33B (VPS33B late endosome and lysosome associated; minus strand). Cytogenetic location: 15q26.1.
Variant type: single nucleotide variant.
Coding change: c.177G>C on transcript NM_018668.5 (MANE Select); coding-DNA position 177, G replaced by C.
Protein change: p.Lys59Asn; replaces lysine 59 with asparagine.
Molecular consequence: missense variant. On other transcripts: 5 prime UTR variant (1), intron variant (1).
Genome position (GRCh38, 1-based): chr15:91,017,805, C>G on the plus strand (G>C on the coding strand, the complement: VPS33B is on the minus strand). VCF-style: chr15-91017805-C-G. GRCh37 (hg19) VCF-style: chr15-91561035-C-G.
Other names: c.-35G>C (NM_001289149.1); c.97-781G>C (NM_001289148.1); short protein forms K59N.
Identifiers: ClinVar variation 1998025 (VCV001998025.4), dbSNP rs776809796, ClinGen allele CA393861360.
Genomic context (GRCh38, chr15:91,017,805, plus strand): 5'-GTTCATCAAAAGAAAAACTGCTTAAAGAGGGGCATGGCCCCCAGGGGAAAGGGACAGTAC[C>G]TTCAGGATGGAGACATTGGCAATTCGATCCAAAGGGCTCATGAGATCTGCCTCAATGAAT-3'
Protein context (NP_061138.3, residues 49-69): LDRIANVSIL[Lys59Asn]QHEVDKLYKV

ClinVar aggregate classification (germline): Uncertain significance (1 of 4 stars; one submission).

Submission:

Labcorp Genetics (formerly Invitae), Labcorp
Classification: Uncertain significance. Last evaluated: 2023-08-10. Review status: criteria provided, single submitter. Criteria: Invitae Variant Classification Sherloc (09022015). Collection method: clinical testing. Allele origin: germline.
Comment: This sequence change replaces lysine, which is basic and polar, with asparagine, which is neutral and polar, at codon 59 of the VPS33B protein (p.Lys59Asn). This variant also falls at the last nucleotide of exon 2, which is part of the consensus splice site for this exon. This variant is not present in population databases (gnomAD no frequency). This variant has not been reported in the literature in individuals affected with VPS33B-related conditions. ClinVar contains an entry for this variant (Variation ID: 1998025). An algorithm developed to predict the effect of missense changes on protein structure and function (PolyPhen-2) suggests that this variant is likely to be disruptive. Variants that disrupt the consensus splice site are a relatively common cause of aberrant splicing (PMID: 17576681, 9536098). Algorithms developed to predict the effect of sequence changes on RNA splicing suggest that this variant may disrupt the consensus splice site. In summary, the available evidence is currently insufficient to determine the role of this variant in disease. Therefore, it has been classified as a Variant of Uncertain Significance.

Literature cited by the submitters: PubMed 17576681; PubMed 9536098.